The following is an entry in ClinVar:

ClinVar aggregate classification (germline): Benign/Likely benign. Review status: criteria provided, multiple submitters, no conflicts (2 of 4 stars). 3 submissions from 3 submitters: Benign (1); Likely benign (2). Last evaluated 2026-06-01.

Allele frequency attached by ClinVar (database versions not stated): gnomAD 0.00013; TOPMed 0.00022; ExAC 0.00032; 1000 Genomes Project 30x 0.00109; 1000 Genomes Project 0.00120.
gnomAD v4.1: 370 of 1,613,324 alleles (0.023%); highest among the groups gnomAD compares: East Asian, 0.63%; 3 homozygotes.

Submissions (3):

CeGaT Center for Human Genetics Tuebingen
Classification: Likely benign. Last evaluated: 2026-06-01. Review status: criteria provided, single submitter. Criteria: CeGaT Center For Human Genetics Tuebingen Variant Classification Criteria Version 2. Collection method: clinical testing. Allele origin: germline. Affected: yes. Observed: 1 variant allele.
Comment: BRF1: BP4, BP7

Blueprint Genetics
Classification: Likely benign. Last evaluated: 2024-11-25. Review status: criteria provided, single submitter. Criteria: ACMG Guidelines, 2015. Collection method: clinical testing. Allele origin: germline.

Labcorp Genetics (formerly Invitae), Labcorp
Classification: Benign. Last evaluated: 2019-12-31. Review status: criteria provided, single submitter. Criteria: Invitae Variant Classification Sherloc (09022015). Collection method: clinical testing. Allele origin: germline.

NM_001519.4(BRF1):c.1683C>T (p.Pro561=)

Gene: BRF1 (BRF1 general transcription factor IIIB subunit; minus strand). Cytogenetic location: 14q32.33.
Variant type: single nucleotide variant.
Coding change: c.1683C>T on transcript NM_001519.4 (MANE Select); coding-DNA position 1683, C replaced by T.
Protein change: p.Pro561=; no amino-acid change (proline 561 retained).
Molecular consequence: synonymous variant.
Genome position (GRCh38, 1-based): chr14:105,217,633, G>A on the plus strand (C>T on the coding strand, the complement: BRF1 is on the minus strand). VCF-style: chr14-105217633-G-A. GRCh37 (hg19) VCF-style: chr14-105683970-G-A.
Other names: c.1404C>T, p.Pro468= (NM_001242786.2); c.1338C>T, p.Pro446= (NM_001242787.2); c.1602C>T, p.Pro534= (NM_001242788.2); c.969C>T, p.Pro323= (NM_001242789.2); c.1071C>T, p.Pro357= (NM_145685.3).
Identifiers: ClinVar variation 739080 (VCV000739080.7), dbSNP rs199686171, ClinGen allele CA7387032.
Genomic context (GRCh38, chr14:105,217,633, plus strand): 5'-CCCACTTCTGCTGGCCGGCGTCCTCCTTCGTGACAGCTTCCTGGCACTGGCGCTATGCTC[G>A]GGCTGTGCATCCTCCCTGTGCGGACTGCCCCCGCCGGCGCTGCTGAGGCCCCGGAGCACG-3'
Protein context (NP_001510.2, residues 551-571): GGSPHREDAQ[Pro561=]EHSASARKLS